The following is an entry in ClinVar:

ClinVar aggregate classification (germline): Uncertain significance (1 of 4 stars; one submission).

Conditions:
Kabuki syndrome. Also called: Kabuki make-up syndrome; NIIKAWA-KUROKI SYNDROME. Identifiers: Orphanet 2322, MedGen C0796004, MONDO:0016512.

Submission:

Labcorp Genetics (formerly Invitae), Labcorp
Classification: Uncertain significance for Kabuki syndrome. Last evaluated: 2025-10-26. Review status: criteria provided, single submitter. Criteria: Invitae Variant Classification Sherloc (09022015). Collection method: clinical testing. Allele origin: germline.
Comment: This sequence change replaces methionine, which is neutral and non-polar, with valine, which is neutral and non-polar, at codon 5196 of the KMT2D protein (p.Met5196Val). This variant is not present in population databases (gnomAD no frequency). This variant has not been reported in the literature in individuals affected with KMT2D-related conditions. ClinVar contains an entry for this variant (Variation ID: 2108909). Invitae Evidence Modeling of protein sequence and biophysical properties (such as structural, functional, and spatial information, amino acid conservation, physicochemical variation, residue mobility, and thermodynamic stability) has been performed for this missense variant. However, the output from this modeling did not meet the statistical confidence thresholds required to predict the impact of this variant on KMT2D protein function. In summary, the available evidence is currently insufficient to determine the role of this variant in disease. Therefore, it has been classified as a Variant of Uncertain Significance.

NM_003482.4(KMT2D):c.15586A>G (p.Met5196Val)

Gene: KMT2D (lysine methyltransferase 2D; minus strand). Cytogenetic location: 12q13.12.
Variant type: single nucleotide variant.
Coding change: c.15586A>G on transcript NM_003482.4 (MANE Select); coding-DNA position 15586, A replaced by G.
Protein change: p.Met5196Val; replaces methionine 5196 with valine.
Molecular consequence: missense variant.
Genome position (GRCh38, 1-based): chr12:49,026,380, T>C on the plus strand (A>G on the coding strand, the complement: KMT2D is on the minus strand). VCF-style: chr12-49026380-T-C. GRCh37 (hg19) VCF-style: chr12-49420163-T-C.
Other names: short protein forms M5196V.
Identifiers: ClinVar variation 2108909 (VCV002108909.4), dbSNP rs2499035693, ClinGen allele CA384686602.
Genomic context (GRCh38, chr12:49,026,380, plus strand): 5'-AGATGCGCGTGGCCTCGTAGCCCACGGGATAGAGGGCAGTGGCACTATGAAAGTCAGCCA[T>C]CTGGTGAGGCAGCAGCTGTCCGATGGCGTGGAACACAAGGCCCCCCACACGGAACATGTG-3'
Protein context (NP_003473.3, residues 5186-5206): HAIGQLLPHQ[Met5196Val]ADFHSATALY